The following is an entry in ClinVar:

NM_001040630.2(NCALD):c.-123+73del

Gene: NCALD (neurocalcin delta; minus strand). Cytogenetic location: 8q22.3.
Variant type: Deletion.
Coding change: c.-123+73del on transcript NM_001040630.2; 73 bases into the intron after 123 bases upstream of the start codon, one base deleted (G; older notation c.-123+73delG).
Molecular consequence: intron variant.
Genome position (GRCh38, 1-based): chr8:102,124,497, C deleted on the plus strand (G on the coding strand, the reverse complement: NCALD is on the minus strand); the first of 9 consecutive C bases (chr8:102,124,497-102,124,505); deleting any one gives the same sequence. VCF-style (leftmost placement, unchanged base first): chr8-102124496-GC-G. GRCh37 (hg19) VCF-style: chr8-103136724-GC-G.
Identifiers: ClinVar variation 2658715 (VCV002658715.22), dbSNP rs1046926270, ClinGen allele CA182834828.

ClinVar aggregate classification (germline): Benign (1 of 4 stars; one submission).

Submission:

CeGaT Center for Human Genetics Tuebingen
Classification: Benign. Last evaluated: 2022-11-01. Review status: criteria provided, single submitter. Criteria: CeGaT Center For Human Genetics Tuebingen Variant Classification Criteria Version 2. Collection method: clinical testing. Allele origin: germline. Affected: yes. Observed: 2 variant alleles.
Comment: NCALD: BS1, BS2